The following is an entry in ClinVar:

NM_000129.4(F13A1):c.*160G>A

Gene: F13A1 (coagulation factor XIII A chain; minus strand). Cytogenetic location: 6p25.1.
Variant type: single nucleotide variant.
Coding change: c.*160G>A on transcript NM_000129.4 (MANE Select); 160 bases downstream of the stop codon, G replaced by A.
Molecular consequence: 3 prime UTR variant.
Genome position (GRCh38, 1-based): chr6:6,145,459, C>T on the plus strand (G>A on the coding strand, the complement: F13A1 is on the minus strand). VCF-style: chr6-6145459-C-T. GRCh37 (hg19) VCF-style: chr6-6145692-C-T.
Identifiers: ClinVar variation 357662 (VCV000357662.7), dbSNP rs1050783, ClinGen allele CA10627390.
Genomic context (GRCh38, chr6:6,145,459, plus strand): 5'-TTTGGAAGGTGGAGAGATTAAAAACTAACTTCCTTGCCGAATAGCCTGGGTTTGGAAAAG[C>T]ATGTTTTTGAAATATGTGGGATCTCCACTCTGGAGCCCTCTGCAGTCCTGTCTGGGTCTT-3'

ClinVar aggregate classification (germline): Benign. Review status: criteria provided, multiple submitters, no conflicts (2 of 4 stars). 2 submissions from 2 submitters: Benign (2). Last evaluated 2018-11-11.

Conditions:
Factor XIII, A subunit, deficiency of. Also called: Factor XIII subunit A deficiency. Identifiers: Orphanet 331, MedGen C2750514, MONDO:0013187, OMIM 613225, HP:0040233.

Allele frequency attached by ClinVar (database versions not stated): 1000 Genomes Project 0.14217; 1000 Genomes Project 30x 0.15272; gnomAD exomes 0.15603; gnomAD 0.18047 and 0.18575; TOPMed 0.18551.
gnomAD v4.1: 141,587 of 882,710 alleles (16%); highest among the groups gnomAD compares: African/African-American, 25%; 12,607 homozygotes.

Submissions (2):

GeneDx
Classification: Benign. Last evaluated: 2018-11-11. Review status: criteria provided, single submitter. Criteria: GeneDx Variant Classification Process June 2021. Collection method: clinical testing. Allele origin: germline. Affected: yes.

Illumina Laboratory Services, Illumina
Classification: Benign for Factor XIII, A subunit, deficiency of. Last evaluated: 2018-01-12. Review status: criteria provided, single submitter. Criteria: ICSL Variant Classification Criteria 13 December 2019. Collection method: clinical testing. Allele origin: germline.
Comment: This variant was observed in the ICSL laboratory as part of a predisposition screen in an ostensibly healthy population. It had not been previously curated by ICSL or reported in the Human Gene Mutation Database (HGMD: prior to June 1st, 2018), and was therefore a candidate for classification through an automated scoring system. Utilizing variant allele frequency, disease prevalence and penetrance estimates, and inheritance mode, an automated score was calculated to assess if this variant is too frequent to cause the disease. Based on the score and internal cut-off values, a variant classified as benign is not then subjected to further curation. The score for this variant resulted in a classification of benign for this disease.